The following is an entry in ClinVar:

ClinVar aggregate classification (germline): Likely pathogenic (1 of 4 stars; one submission).

Conditions:
Severe combined immunodeficiency due to DCLRE1C deficiency (RS-SCID). Also called: SCID, AUTOSOMAL RECESSIVE, T CELL-NEGATIVE, B CELL-NEGATIVE, NK CELL-POSITIVE, WITH SENSITIVITY TO IONIZING RADIATION. Identifiers: Orphanet 275, MedGen C1865371, MONDO:0011225, OMIM 602450.

Submissions (2):

Labcorp Genetics (formerly Invitae), Labcorp
Classification: Likely pathogenic for Athabaskan severe combined immunodeficiency. Last evaluated: 2023-04-23. Review status: criteria provided, single submitter. Criteria: Invitae Variant Classification Sherloc (09022015). Collection method: clinical testing. Allele origin: germline.
Comment: In summary, the currently available evidence indicates that the variant is pathogenic, but additional data are needed to prove that conclusively. Therefore, this variant has been classified as Likely Pathogenic. Algorithms developed to predict the effect of sequence changes on RNA splicing suggest that this variant may disrupt the consensus splice site. This variant has not been reported in the literature in individuals affected with DCLRE1C-related conditions. This variant is not present in population databases (gnomAD no frequency). This sequence change affects a donor splice site in intron 7 of the DCLRE1C gene. It is expected to disrupt RNA splicing. Variants that disrupt the donor or acceptor splice site typically lead to a loss of protein function (PMID: 16199547), and loss-of-function variants in DCLRE1C are known to be pathogenic (PMID: 21664875, 26123418).

Dr. Peter K. Rogan Lab, Western University
No classification provided (evidence only). Condition: Thyroid cancer, nonmedullary, 1. Review status: no classification provided. Collection method: in vitro. Allele origin: not applicable. Functional consequence: retained intron. Not counted in ClinVar's aggregate classification.

Literature cited by the submitters: PubMed 16199547 (cited by Labcorp Genetics (formerly Invitae), Labcorp); PubMed 21664875 (cited by Labcorp Genetics (formerly Invitae), Labcorp); PubMed 26123418 (cited by Labcorp Genetics (formerly Invitae), Labcorp).

NM_001033855.3(DCLRE1C):c.537+1G>T

Gene: DCLRE1C (DNA cross-link repair 1C; minus strand). Cytogenetic location: 10p13.
Variant type: single nucleotide variant.
Coding change: c.537+1G>T on transcript NM_001033855.3 (MANE Select); the canonical splice donor site of the intron after coding-DNA position 537, G replaced by T.
Molecular consequence: splice donor variant.
Genome position (GRCh38, 1-based): chr10:14,934,702, C>A on the plus strand (G>T on the coding strand, the complement: DCLRE1C is on the minus strand). VCF-style: chr10-14934702-C-A. GRCh37 (hg19) VCF-style: chr10-14976701-C-A.
Other names: c.192+1G>T (NM_001350966.2, NM_001289078.2, NM_001289076.2 and 1 more transcripts); c.537+1G>T (NM_001350965.2); c.177+1G>T (NM_001350967.2, NM_001289077.2, NM_001289079.2 and 2 more transcripts).
Identifiers: ClinVar variation 2858507 (VCV002858507.4), dbSNP rs2492028268, ClinGen allele CA376059777.